The following is an entry in ClinVar:

NM_000321.3(RB1):c.380+6G>A

Gene: RB1 (RB transcriptional corepressor 1; plus strand). Cytogenetic location: 13q14.2.
Variant type: single nucleotide variant.
Coding change: c.380+6G>A on transcript NM_000321.3 (MANE Select); 6 bases into the intron after coding-DNA position 380, G replaced by A.
Molecular consequence: intron variant.
Genome position (GRCh38, 1-based): chr13:48,342,720, G>A. VCF-style: chr13-48342720-G-A. GRCh37 (hg19) VCF-style: chr13-48916856-G-A.
Identifiers: ClinVar variation 2035575 (VCV002035575.4), dbSNP rs762953095, ClinGen allele CA037920.

ClinVar aggregate classification (germline): Uncertain significance (1 of 4 stars; one submission).

Conditions:
Retinoblastoma (RB1). Also called: RETINOBLASTOMA, SOMATIC. Identifiers: Orphanet 790, MedGen C0035335, MeSH D012175, MONDO:0008380, OMIM 180200, HP:0009919. Disease mechanism: loss of function. Inheritance: Both sporadic and heritable forms are tested..

Allele frequency attached by ClinVar (database versions not stated): ExAC 0.00001.
gnomAD v4.1: 1 of 1,563,124 alleles (0.000064%); highest among the groups gnomAD compares: South Asian, 0.0011%; no homozygotes.

Submission:

Labcorp Genetics (formerly Invitae), Labcorp
Classification: Uncertain significance for Retinoblastoma. Last evaluated: 2022-10-14. Review status: criteria provided, single submitter. Criteria: Invitae Variant Classification Sherloc (09022015). Collection method: clinical testing. Allele origin: germline.
Comment: In summary, the available evidence is currently insufficient to determine the role of this variant in disease. Therefore, it has been classified as a Variant of Uncertain Significance. Variants that disrupt the consensus splice site are a relatively common cause of aberrant splicing (PMID: 17576681, 9536098). Algorithms developed to predict the effect of sequence changes on RNA splicing suggest that this variant is not likely to affect RNA splicing. This variant has not been reported in the literature in individuals affected with RB1-related conditions. This variant is present in population databases (rs762953095, gnomAD 0.003%). This sequence change falls in intron 3 of the RB1 gene. It does not directly change the encoded amino acid sequence of the RB1 protein. It affects a nucleotide within the consensus splice site.

Literature cited by the submitters: PubMed 17576681; PubMed 9536098.